The following is an entry in ClinVar:

ClinVar aggregate classification (germline): Uncertain significance (1 of 4 stars; one submission).

Conditions:
Alstrom syndrome (ALMS). Identifiers: Orphanet 64, MedGen C0268425, MONDO:0008763, OMIM 203800.

Submission:

Labcorp Genetics (formerly Invitae), Labcorp
Classification: Uncertain significance for Alstrom syndrome. Last evaluated: 2022-02-02. Review status: criteria provided, single submitter. Criteria: Invitae Variant Classification Sherloc (09022015). Collection method: clinical testing. Allele origin: germline.
Comment: This sequence change replaces valine, which is neutral and non-polar, with isoleucine, which is neutral and non-polar, at codon 2185 of the ALMS1 protein (p.Val2185Ile). This variant is not present in population databases (gnomAD no frequency). This variant has not been reported in the literature in individuals affected with ALMS1-related conditions. Experimental studies and prediction algorithms are not available or were not evaluated, and the functional significance of this variant is currently unknown. In summary, the available evidence is currently insufficient to determine the role of this variant in disease. Therefore, it has been classified as a Variant of Uncertain Significance.

NM_001378454.1(ALMS1):c.6550G>A (p.Val2184Ile)

Gene: ALMS1 (ALMS1 centrosome and basal body associated protein; plus strand). Cytogenetic location: 2p13.1.
Variant type: single nucleotide variant.
Coding change: c.6550G>A on transcript NM_001378454.1 (MANE Select); coding-DNA position 6550, G replaced by A.
Protein change: p.Val2184Ile; replaces valine 2184 with isoleucine.
Molecular consequence: missense variant.
Genome position (GRCh38, 1-based): chr2:73,453,077, G>A. VCF-style: chr2-73453077-G-A. GRCh37 (hg19) VCF-style: chr2-73680204-G-A.
Other names: c.6553G>A, p.Val2185Ile (NM_015120.4); short protein forms V2185I, V2184I.
Identifiers: ClinVar variation 2092069 (VCV002092069.1), dbSNP rs2466109487, ClinGen allele CA347288567.